The following is an entry in ClinVar:

NM_004958.4(MTOR):c.4417G>T (p.Asp1473Tyr)

Gene: MTOR (mechanistic target of rapamycin kinase; minus strand). Cytogenetic location: 1p36.22.
Variant type: single nucleotide variant.
Coding change: c.4417G>T on transcript NM_004958.4 (MANE Select); coding-DNA position 4417, G replaced by T.
Protein change: p.Asp1473Tyr; replaces aspartic acid 1473 with tyrosine.
Molecular consequence: missense variant.
Genome position (GRCh38, 1-based): chr1:11,157,204, C>A on the plus strand (G>T on the coding strand, the complement: MTOR is on the minus strand). VCF-style: chr1-11157204-C-A. GRCh37 (hg19) VCF-style: chr1-11217261-C-A.
Other names: c.4417G>T, p.Asp1473Tyr (NM_001386500.1); c.3169G>T, p.Asp1057Tyr (NM_001386501.1); short protein forms D1057Y, D1473Y.
Identifiers: ClinVar variation 1387623 (VCV001387623.8), dbSNP rs1313381757, ClinGen allele CA338371720.

ClinVar aggregate classification (germline): Uncertain significance (1 of 4 stars; one submission).

Allele frequency attached by ClinVar (database versions not stated): gnomAD exomes below 0.00001.
gnomAD v4.1: 1 of 1,614,016 alleles (0.000062%); highest among the groups gnomAD compares: African/African-American, 0.0013%; no homozygotes.

Submission:

Labcorp Genetics (formerly Invitae), Labcorp
Classification: Uncertain significance. Last evaluated: 2024-08-04. Review status: criteria provided, single submitter. Criteria: Invitae Variant Classification Sherloc (09022015). Collection method: clinical testing. Allele origin: germline.
Comment: This sequence change replaces aspartic acid, which is acidic and polar, with tyrosine, which is neutral and polar, at codon 1473 of the MTOR protein (p.Asp1473Tyr). This variant is present in population databases (no rsID available, gnomAD 0.007%). This variant has not been reported in the literature in individuals affected with MTOR-related conditions. ClinVar contains an entry for this variant (Variation ID: 1387623). Advanced modeling of protein sequence and biophysical properties (such as structural, functional, and spatial information, amino acid conservation, physicochemical variation, residue mobility, and thermodynamic stability) performed at Invitae indicates that this missense variant is not expected to disrupt MTOR protein function with a negative predictive value of 95%. In summary, the available evidence is currently insufficient to determine the role of this variant in disease. Therefore, it has been classified as a Variant of Uncertain Significance.